The following is an entry in ClinVar:

ClinVar aggregate classification (germline): Uncertain significance (1 of 4 stars; one submission).

Conditions:
PRR12-related disorder. Also called: PRR12-related condition.

Submission:

PreventionGenetics, part of Exact Sciences
Classification: Uncertain significance for PRR12-related condition. Last evaluated: 2023-07-24. Review status: criteria provided, single submitter. Criteria: ACMG Guidelines, 2015. Collection method: clinical testing. Allele origin: germline.
Comment: The PRR12 c.3314A>G variant is predicted to result in the amino acid substitution p.Glu1105Gly. To our knowledge, this variant has not been reported in the literature or in a large population database, indicating this variant is rare. At this time, the clinical significance of this variant is uncertain due to the absence of conclusive functional and genetic evidence.

NM_020719.3(PRR12):c.3314A>G (p.Glu1105Gly)

Gene: PRR12 (proline rich 12; plus strand). Cytogenetic location: 19q13.33.
Variant type: single nucleotide variant.
Coding change: c.3314A>G on transcript NM_020719.3 (MANE Select); coding-DNA position 3314, A replaced by G.
Protein change: p.Glu1105Gly; replaces glutamic acid 1105 with glycine.
Molecular consequence: missense variant.
Genome position (GRCh38, 1-based): chr19:49,597,649, A>G. VCF-style: chr19-49597649-A-G. GRCh37 (hg19) VCF-style: chr19-50100906-A-G.
Other names: short protein forms E1105G.
Identifiers: ClinVar variation 2631727 (VCV002631727.1), dbSNP rs2514274874, ClinGen allele CA406879984.